The following is an entry in ClinVar:

ClinVar aggregate classification (germline): Uncertain significance (1 of 4 stars; one submission).

Submission:

Labcorp Genetics (formerly Invitae), Labcorp
Classification: Uncertain significance. Last evaluated: 2023-04-14. Review status: criteria provided, single submitter. Criteria: Invitae Variant Classification Sherloc (09022015). Collection method: clinical testing. Allele origin: germline.
Comment: This sequence change replaces lysine, which is basic and polar, with threonine, which is neutral and polar, at codon 1825 of the KMT2A protein (p.Lys1825Thr). This variant is not present in population databases (gnomAD no frequency). This variant has not been reported in the literature in individuals affected with KMT2A-related conditions. Advanced modeling of protein sequence and biophysical properties (such as structural, functional, and spatial information, amino acid conservation, physicochemical variation, residue mobility, and thermodynamic stability) has been performed at Invitae for this missense variant, however the output from this modeling did not meet the statistical confidence thresholds required to predict the impact of this variant on KMT2A protein function. In summary, the available evidence is currently insufficient to determine the role of this variant in disease. Therefore, it has been classified as a Variant of Uncertain Significance.

NM_001197104.2(KMT2A):c.5474A>C (p.Lys1825Thr)

Gene: KMT2A (lysine methyltransferase 2A; plus strand). Cytogenetic location: 11q23.3.
Variant type: single nucleotide variant.
Coding change: c.5474A>C on transcript NM_001197104.2 (MANE Select); coding-DNA position 5474, A replaced by C.
Protein change: p.Lys1825Thr; replaces lysine 1825 with threonine.
Molecular consequence: missense variant.
Genome position (GRCh38, 1-based): chr11:118,495,810, A>C. VCF-style: chr11-118495810-A-C. GRCh37 (hg19) VCF-style: chr11-118366525-A-C.
Other names: c.5564A>C, p.Lys1855Thr (NM_001412597.1); c.5465A>C, p.Lys1822Thr (NM_005933.4); short protein forms K1822T, K1825T, K1855T.
Identifiers: ClinVar variation 2856331 (VCV002856331.3), dbSNP rs2496944399, ClinGen allele CA382838940.